The following is an entry in ClinVar:

ClinVar aggregate classification (germline): Uncertain significance (1 of 4 stars; one submission).

Conditions:
Familial adenomatous polyposis 1 (FAP1). Also called: POLYPOSIS, ADENOMATOUS INTESTINAL; FAMILIAL ADENOMATOUS POLYPOSIS 1, ATTENUATED. Identifiers: MedGen C2713442, MONDO:0021056, OMIM 175100. Disease mechanism: loss of function.

gnomAD v4.1: 1 of 1,613,070 alleles (0.000062%); highest among the groups gnomAD compares: Non-Finnish European, 0.000085%; no homozygotes.

Submission:

Labcorp Genetics (formerly Invitae), Labcorp
Classification: Uncertain significance for Familial adenomatous polyposis 1. Last evaluated: 2024-04-02. Review status: criteria provided, single submitter. Criteria: Invitae Variant Classification Sherloc (09022015). Collection method: clinical testing. Allele origin: germline.
Comment: This sequence change replaces cysteine, which is neutral and slightly polar, with tryptophan, which is neutral and slightly polar, at codon 1249 of the APC protein (p.Cys1249Trp). This variant is not present in population databases (gnomAD no frequency). This variant has not been reported in the literature in individuals affected with APC-related conditions. Advanced modeling of protein sequence and biophysical properties (such as structural, functional, and spatial information, amino acid conservation, physicochemical variation, residue mobility, and thermodynamic stability) performed at Invitae indicates that this missense variant is not expected to disrupt APC protein function with a negative predictive value of 95%. In summary, the available evidence is currently insufficient to determine the role of this variant in disease. Therefore, it has been classified as a Variant of Uncertain Significance.

NM_000038.6(APC):c.3747C>G (p.Cys1249Trp)

Gene: APC (APC regulator of Wnt signaling pathway; plus strand). Cytogenetic location: 5q22.2.
Variant type: single nucleotide variant.
Coding change: c.3747C>G on transcript NM_000038.6 (MANE Select); coding-DNA position 3747, C replaced by G.
Protein change: p.Cys1249Trp; replaces cysteine 1249 with tryptophan.
Molecular consequence: missense variant. On other transcripts: non-coding transcript variant (2).
Genome position (GRCh38, 1-based): chr5:112,839,341, C>G. VCF-style: chr5-112839341-C-G. GRCh37 (hg19) VCF-style: chr5-112175038-C-G.
Other names: c.3747C>G, p.Cys1249Trp (NM_001127510.3, NM_001354895.2, NM_001407450.1); c.3693C>G, p.Cys1231Trp (NM_001127511.3); c.3801C>G, p.Cys1267Trp (NM_001354896.2, NM_001407447.1, NM_001407448.1 and 1 more transcripts); c.3777C>G, p.Cys1259Trp (NM_001354897.2); c.3672C>G, p.Cys1224Trp (NM_001354898.2); c.3663C>G, p.Cys1221Trp (NM_001354899.2); c.3624C>G, p.Cys1208Trp (NM_001354900.2); c.3570C>G, p.Cys1190Trp (NM_001354901.2, NM_001407453.1); and 11 more; short protein forms C1242W, C1259W, C1277W, C865W, C966W, C1120W, C1148W, C1190W.
Identifiers: ClinVar variation 3687014 (VCV003687014.2).